The following is an entry in ClinVar:

ClinVar aggregate classification (germline): Benign/Likely benign. Review status: criteria provided, multiple submitters, no conflicts (2 of 4 stars). 5 submissions from 5 submitters: Benign (2); Likely benign (2). 1 of the submissions does not count toward it. Last evaluated 2026-05-26.

Conditions:
BICD2-related disorder. Also called: BICD2-related condition.
Autosomal dominant childhood-onset proximal spinal muscular atrophy with contractures (SMALED2A). Also called: SPINAL MUSCULAR ATROPHY, LOWER EXTREMITY-PREDOMINANT, 2A, CHILDHOOD ONSET, AUTOSOMAL DOMINANT; Spinal muscular atrophy, lower extremity-predominant, 2A, autosomal dominant. Identifiers: Orphanet 363447, Orphanet 363454, MedGen C4747715, MONDO:0014121, OMIM 615290.

Allele frequency attached by ClinVar (database versions not stated): gnomAD exomes 0.00010; ExAC 0.00012; 1000 Genomes Project 30x 0.00031; gnomAD 0.00039 and 0.00040; 1000 Genomes Project 0.00040; TOPMed 0.00042; ESP Exome Variant Server 0.00069.
gnomAD v4.1: 102 of 1,614,050 alleles (0.0063%); highest among the groups gnomAD compares: African/African-American, 0.12%; no homozygotes.

Submissions (5):

Women's Health and Genetics/Laboratory Corporation of America, LabCorp
Classification: Benign. Last evaluated: 2026-05-26. Review status: criteria provided, single submitter. Criteria: LabCorp Variant Classification Summary - May 2015. Collection method: clinical testing. Allele origin: germline.

Labcorp Genetics (formerly Invitae), Labcorp
Classification: Benign for Autosomal dominant childhood-onset proximal spinal muscular atrophy with contractures. Last evaluated: 2025-09-23. Review status: criteria provided, single submitter. Criteria: Invitae Variant Classification Sherloc (09022015). Collection method: clinical testing. Allele origin: germline.

Blueprint Genetics
Classification: Likely benign. Last evaluated: 2023-09-13. Review status: criteria provided, single submitter. Criteria: ACMG Guidelines, 2015. Collection method: clinical testing. Allele origin: germline.

GeneDx
Classification: Likely benign. Last evaluated: 2017-09-26. Review status: criteria provided, single submitter. Criteria: GeneDx Variant Classification (06012015). Collection method: clinical testing. Allele origin: germline. Affected: yes.
Comment: This variant is considered likely benign or benign based on one or more of the following criteria: it is a conservative change, it occurs at a poorly conserved position in the protein, it is predicted to be benign by multiple in silico algorithms, and/or has population frequency not consistent with disease.

PreventionGenetics, part of Exact Sciences
Classification: Likely benign for BICD2-related condition. Last evaluated: 2023-05-24. Review status: no assertion criteria provided. Collection method: clinical testing. Allele origin: germline. Not counted in ClinVar's aggregate classification.
Comment: This variant is classified as likely benign based on ACMG/AMP sequence variant interpretation guidelines (Richards et al. 2015 PMID: 25741868, with internal and published modifications).

NM_001003800.2(BICD2):c.454-7C>G

Gene: BICD2 (BICD cargo adaptor 2; minus strand). Cytogenetic location: 9q22.31.
Variant type: single nucleotide variant.
Coding change: c.454-7C>G on transcript NM_001003800.2 (MANE Select); 7 bases into the intron before coding-DNA position 454, C replaced by G.
Molecular consequence: intron variant.
Genome position (GRCh38, 1-based): chr9:92,722,815, G>C on the plus strand (C>G on the coding strand, the complement: BICD2 is on the minus strand). VCF-style: chr9-92722815-G-C. GRCh37 (hg19) VCF-style: chr9-95485097-G-C.
Other names: c.454-7C>G (NM_015250.4).
Identifiers: ClinVar variation 507227 (VCV000507227.15), dbSNP rs186469385, ClinGen allele CA5126802.
Genomic context (GRCh38, chr9:92,722,815, plus strand): 5'-CTCCTTGATGTCATCCCGCAGGCGGCCACGCTGGATCTCCACATTCTGGTTGATCTGTTG[G>C]GGGAGAGGGAAAGGCAGGTATGAGCAGCCTCCACAGGGCACGAGAGGGGCTCAGTGCAGC-3'